The following is an entry in ClinVar:

ClinVar aggregate classification (germline): Uncertain significance (1 of 4 stars; one submission).

Submission:

GeneDx
Classification: Uncertain significance. Last evaluated: 2026-07-09. Review status: criteria provided, single submitter. Criteria: GeneDx Variant Classification Process June 2021. Collection method: clinical testing. Allele origin: germline.
Comment: Not observed at significant frequency in large population cohorts (gnomAD); In silico analysis supports that this missense variant has a deleterious effect on protein structure/function; Has not been previously published as pathogenic or benign to our knowledge

NM_001379291.1(BRD4):c.1561G>T (p.Val521Leu)

Gene: BRD4 (bromodomain containing 4; minus strand). Cytogenetic location: 19p13.12.
Variant type: single nucleotide variant.
Coding change: c.1561G>T on transcript NM_001379291.1 (MANE Select); coding-DNA position 1561, G replaced by T.
Protein change: p.Val521Leu; replaces valine 521 with leucine.
Molecular consequence: missense variant.
Genome position (GRCh38, 1-based): chr19:15,256,254, C>A on the plus strand (G>T on the coding strand, the complement: BRD4 is on the minus strand). VCF-style: chr19-15256254-C-A. GRCh37 (hg19) VCF-style: chr19-15367065-C-A.
Other names: c.1561G>T, p.Val521Leu (NM_001330384.2, NM_001379292.1, NM_014299.3 and 1 more transcripts); short protein forms V521L.
Identifiers: ClinVar variation 4527722 (VCV004527722.2).